The following is an entry in ClinVar:

ClinVar aggregate classification (germline): Likely benign. Review status: criteria provided, multiple submitters, no conflicts (2 of 4 stars). 2 submissions from 2 submitters: Likely benign (2). Last evaluated 2024-10-07.

Conditions:
Hajdu-Cheney syndrome (HJCYS). Also called: SERPENTINE FIBULA-POLYCYSTIC KIDNEY SYNDROME; Acroosteolysis dominant type; ACROOSTEOLYSIS WITH OSTEOPOROSIS AND CHANGES IN SKULL AND MANDIBLE. Identifiers: Orphanet 955, MedGen C0917715, MONDO:0007057, OMIM 102500.

Allele frequency attached by ClinVar (database versions not stated): ExAC 0.00001; gnomAD exomes 0.00001.
gnomAD v4.1: 3 of 1,614,238 alleles (0.00019%); highest among the groups gnomAD compares: South Asian, 0.0033%; no homozygotes.

Submissions (2):

Labcorp Genetics (formerly Invitae), Labcorp
Classification: Likely benign for Hajdu-Cheney syndrome. Last evaluated: 2024-10-07. Review status: criteria provided, single submitter. Criteria: Invitae Variant Classification Sherloc (09022015). Collection method: clinical testing. Allele origin: germline.

CeGaT Center for Human Genetics Tuebingen
Classification: Likely benign. Last evaluated: 2022-08-01. Review status: criteria provided, single submitter. Criteria: CeGaT Center For Human Genetics Tuebingen Variant Classification Criteria Version 2. Collection method: clinical testing. Allele origin: germline. Affected: yes. Observed: 1 variant allele.
Comment: NOTCH2: BP4, BP7

NM_024408.4(NOTCH2):c.6498C>T (p.Ser2166=)

Gene: NOTCH2 (notch receptor 2; minus strand). Cytogenetic location: 1p12.
Variant type: single nucleotide variant.
Coding change: c.6498C>T on transcript NM_024408.4 (MANE Select); coding-DNA position 6498, C replaced by T.
Protein change: p.Ser2166=; no amino-acid change (serine 2166 retained).
Molecular consequence: synonymous variant.
Genome position (GRCh38, 1-based): chr1:119,916,224, G>A on the plus strand (C>T on the coding strand, the complement: NOTCH2 is on the minus strand). VCF-style: chr1-119916224-G-A. GRCh37 (hg19) VCF-style: chr1-120458847-G-A.
Identifiers: ClinVar variation 1992537 (VCV001992537.28), dbSNP rs763659337, ClinGen allele CA1039416.
Genomic context (GRCh38, chr1:119,916,224, plus strand): 5'-AGTGGCCAACATAGGGTTGGGTGAGGCCTGTAAGATCCCAGGGGATGTAATCATTGGAGA[G>A]GATGTGGTGTCGGAAACATACGTGTGAGGAGATTCTAGGGAATCAACAGGGGATAAAGTT-3'
Protein context (NP_077719.2, residues 2156-2176): SPHTYVSDTT[Ser2166=]SPMITSPGIL